The following is an entry in ClinVar:

ClinVar aggregate classification (germline): Uncertain significance (1 of 4 stars; one submission).

Conditions:
Capillary malformation-arteriovenous malformation syndrome. Also called: Capillary malformation-arteriovenous malformation. Identifiers: Orphanet 137667, MedGen C1842180, MONDO:0012016.

Allele frequency attached by ClinVar (database versions not stated): gnomAD 0.00001; TOPMed below 0.00001.
gnomAD v4.1: 2 of 1,612,096 alleles (0.00012%); highest among the groups gnomAD compares: Non-Finnish European, 0.00017%; no homozygotes.

Submission:

Labcorp Genetics (formerly Invitae), Labcorp
Classification: Uncertain significance for Capillary malformation-arteriovenous malformation syndrome. Last evaluated: 2025-07-13. Review status: criteria provided, single submitter. Criteria: Invitae Variant Classification Sherloc (09022015). Collection method: clinical testing. Allele origin: germline.
Comment: This sequence change replaces glutamic acid, which is acidic and polar, with valine, which is neutral and non-polar, at codon 337 of the RASA1 protein (p.Glu337Val). This variant is not present in population databases (gnomAD no frequency). This variant has not been reported in the literature in individuals affected with RASA1-related conditions. ClinVar contains an entry for this variant (Variation ID: 1346994). An algorithm developed to predict the effect of missense changes on protein structure and function (PolyPhen-2) suggests that this variant is likely to be tolerated. In summary, the available evidence is currently insufficient to determine the role of this variant in disease. Therefore, it has been classified as a Variant of Uncertain Significance.

NM_002890.3(RASA1):c.1010A>T (p.Glu337Val)

Genes: CCNH (cyclin H; minus strand), RASA1 (RAS p21 protein activator 1; plus strand). Cytogenetic location: 5q14.3.
Variant type: single nucleotide variant.
Coding change: c.1010A>T on transcript NM_002890.3 (MANE Select); coding-DNA position 1010, A replaced by T.
Protein change: p.Glu337Val; replaces glutamic acid 337 with valine.
Molecular consequence: missense variant. On other transcripts: intron variant (1).
Genome position (GRCh38, 1-based): chr5:87,338,084, A>T. VCF-style: chr5-87338084-A-T. GRCh37 (hg19) VCF-style: chr5-86633901-A-T.
Other names: c.479A>T, p.Glu160Val (NM_022650.3); c.934-25289T>A (NM_001364075.2); short protein forms E160V, E337V.
Identifiers: ClinVar variation 1346994 (VCV001346994.7), dbSNP rs1396751378, ClinGen allele CA360381242.